The following is an entry in ClinVar:

NM_001384140.1(PCDH15):c.3317G>T (p.Arg1106Leu)

Gene: PCDH15 (protocadherin related 15; minus strand). Cytogenetic location: 10q21.1.
Variant type: single nucleotide variant.
Coding change: c.3317G>T on transcript NM_001384140.1 (MANE Select); coding-DNA position 3317, G replaced by T.
Protein change: p.Arg1106Leu; replaces arginine 1106 with leucine.
Molecular consequence: missense variant.
Genome position (GRCh38, 1-based): chr10:53,938,871, C>A on the plus strand (G>T on the coding strand, the complement: PCDH15 is on the minus strand). VCF-style: chr10-53938871-C-A. GRCh37 (hg19) VCF-style: chr10-55698631-C-A.
Other names: c.3332G>T, p.Arg1111Leu (NM_001142763.2, NM_001142771.2); c.3317G>T, p.Arg1106Leu (NM_001142764.2, NM_001142766.2, NM_001142770.3 and 4 more transcripts); c.3104G>T, p.Arg1035Leu (NM_001142765.2); c.3206G>T, p.Arg1069Leu (NM_001142767.2); c.3251G>T, p.Arg1084Leu (NM_001142768.2, NM_001142773.2, NM_001354404.2); c.3353G>T, p.Arg1118Leu (NM_001142769.4); c.3338G>T, p.Arg1113Leu (NM_001354411.2); short protein forms R1106L, R1118L, R1069L, R1035L, R1084L, R1111L, R1113L.
Identifiers: ClinVar variation 1035767 (VCV001035767.9), dbSNP rs746935130, ClinGen allele CA376516119.

ClinVar aggregate classification (germline): Uncertain significance (1 of 4 stars; one submission).

gnomAD v4.1: 1 of 1,613,564 alleles (0.000062%); highest among the groups gnomAD compares: Non-Finnish European, 0.000085%; no homozygotes.

Submission:

Labcorp Genetics (formerly Invitae), Labcorp
Classification: Uncertain significance. Last evaluated: 2020-01-20. Review status: criteria provided, single submitter. Criteria: Invitae Variant Classification Sherloc (09022015). Collection method: clinical testing. Allele origin: germline.
Comment: In summary, the available evidence is currently insufficient to determine the role of this variant in disease. Therefore, it has been classified as a Variant of Uncertain Significance. Algorithms developed to predict the effect of missense changes on protein structure and function are either unavailable or do not agree on the potential impact of this missense change (SIFT: "Deleterious"; PolyPhen-2: "Possibly Damaging"; Align-GVGD: "Class C0"). This variant has not been reported in the literature in individuals with PCDH15-related conditions. This variant is not present in population databases (ExAC no frequency). This sequence change replaces arginine with leucine at codon 1106 of the PCDH15 protein (p.Arg1106Leu). The arginine residue is highly conserved and there is a moderate physicochemical difference between arginine and leucine.